The following is an entry in ClinVar:

NM_000303.3(PMM2):c.556G>A (p.Gly186Arg)

Gene: PMM2 (phosphomannomutase 2; plus strand). Cytogenetic location: 16p13.2.
Variant type: single nucleotide variant.
Coding change: c.556G>A on transcript NM_000303.3 (MANE Select); coding-DNA position 556, G replaced by A.
Protein change: p.Gly186Arg; replaces glycine 186 with arginine.
Molecular consequence: missense variant.
Genome position (GRCh38, 1-based): chr16:8,813,023, G>A. VCF-style: chr16-8813023-G-A. GRCh37 (hg19) VCF-style: chr16-8906880-G-A.
Other names: short protein forms G186R.
Identifiers: ClinVar variation 1693595 (VCV001693595.7), dbSNP rs1384610957, ClinGen allele CA394697779.

ClinVar aggregate classification (germline): Conflicting classifications of pathogenicity. Review status: criteria provided, conflicting classifications (1 of 4 stars). 4 submissions from 4 submitters: Pathogenic (1); Likely pathogenic (2); Uncertain significance (1). Last evaluated 2025-09-24.

Conditions:
PMM2-congenital disorder of glycosylation. Also called: PMM2-CDG; Congenital disorder of glycosylation, type Ia; CDG Ia; JAEKEN SYNDROME; PHOSPHOMANNOMUTASE 2 DEFICIENCY; CARBOHYDRATE-DEFICIENT GLYCOPROTEIN SYNDROME, TYPE Ia. Identifiers: Orphanet 79318, MedGen C0349653, MONDO:0008907, OMIM 212065.
PMM2-related disorder. Also called: PMM2-related condition.

Allele frequency attached by ClinVar (database versions not stated): gnomAD exomes below 0.00001.
gnomAD v4.1: 2 of 1,613,372 alleles (0.00012%); highest among the groups gnomAD compares: East Asian, 0.0045%; no homozygotes.

Submissions (4):

Genesolutions, Medical Genetics Institutes, Ho Chi Minh City, Vietnam
Classification: Likely pathogenic for PMM2-congenital disorder of glycosylation. Last evaluated: 2025-09-24. Review status: criteria provided, single submitter. Criteria: ACMG Guidelines, 2015. Collection method: clinical testing. Allele origin: germline. Affected: yes.

Blueprint Genetics
Classification: Likely pathogenic for PMM2-related disorders. Last evaluated: 2024-04-11. Review status: criteria provided, single submitter. Criteria: ACMG Guidelines, 2015. Collection method: clinical testing. Allele origin: germline. Affected: yes. Observed: 1 variant allele.

Juno Genomics, Hangzhou Juno Genomics, Inc
Classification: Uncertain significance for PMM2-congenital disorder of glycosylation. Review status: criteria provided, single submitter. Criteria: ACMG Guidelines, 2015. Collection method: clinical testing. Allele origin: germline.
Comment: Absent from controls (or at extremely low frequency if recessive) in Genome Aggregation Database.;For recessive disorders, detected in trans with a pathogenic variant.;Co-segregation with disease in multiple affected family members.;Well-established in vitro or in vivo functional studies supportive of a damaging effect on the gene or gene product.

Morava/Kozicz Lab, Department of Clinical Genomics, Mayo Clinic
Classification: Pathogenic for PMM2-congenital disorder of glycosylation. Review status: criteria provided, single submitter. Criteria: ACMG Guidelines, 2015. Collection method: clinical testing. Allele origin: inherited. Inheritance: Autosomal recessive inheritance. Affected: yes. Observed: 1 compound heterozygote.
Comment: This variant was previously reported as pathogenic and reported in LOVD database LOVD:PMM2_000045. This variant was published by Peng et al, 2020 in a patient with confirmed PMM2-CDG. The in silicon prediction programs (SIFT, Mutation-Taster, PolyPhen2) indicate this substitution is "deleterious", "disease causing" and "probably damaging".

Literature cited by the submitters: PubMed 31902100 (cited by Morava/Kozicz Lab, Department of Clinical Genomics, Mayo Clinic).